The following is an entry in ClinVar:

ClinVar aggregate classification (germline): Conflicting classifications of pathogenicity. Review status: criteria provided, conflicting classifications (1 of 4 stars). 5 submissions from 5 submitters: Uncertain significance (4); Likely benign (1). Last evaluated 2025-06-24.

Conditions:
Hereditary breast ovarian cancer syndrome. Also called: Hereditary breast and ovarian cancer; Hereditary breast and ovarian cancer syndrome; BRCA1- and BRCA2-Associated Hereditary Breast and Ovarian Cancer; Hereditary breast and ovarian cancer syndrome (HBOC); Breast and ovarian cancer; Hereditary breast and/or ovarian cancer syndrome. Identifiers: Orphanet 145, MedGen C0677776, MeSH D061325, MONDO:0003582. Disease mechanism: loss of function.
Hereditary cancer-predisposing syndrome. Also called: Hereditary Cancer Syndrome; Tumor predisposition; Neoplastic Syndromes, Hereditary; Hereditary neoplastic syndrome. Identifiers: Orphanet 140162, MedGen C0027672, MeSH D009386, MONDO:0015356.

Submissions (5):

Color Diagnostics, LLC DBA Color Health
Classification: Uncertain significance for Hereditary cancer-predisposing syndrome. Last evaluated: 2025-06-24. Review status: criteria provided, single submitter. Criteria: ACMG Guidelines, 2015. Collection method: clinical testing. Allele origin: germline.
Comment: This missense variant replaces aspartic acid with histidine at codon 1337 of the BRCA1 protein. Computational prediction is inconclusive regarding the impact of this variant on protein structure and function. To our knowledge, functional studies have not been reported for this variant. This variant has not been reported in individuals affected with BRCA1-related disorders in the literature. This variant has not been identified in the general population by the Genome Aggregation Database (gnomAD). The available evidence is insufficient to determine the role of this variant in disease conclusively. Therefore, this variant is classified as a Variant of Uncertain Significance.

Labcorp Genetics (formerly Invitae), Labcorp
Classification: Uncertain significance for Hereditary breast ovarian cancer syndrome. Last evaluated: 2024-12-12. Review status: criteria provided, single submitter. Criteria: Invitae Variant Classification Sherloc (09022015). Collection method: clinical testing. Allele origin: germline.
Comment: This sequence change replaces aspartic acid, which is acidic and polar, with histidine, which is basic and polar, at codon 1337 of the BRCA1 protein (p.Asp1337His). This variant is not present in population databases (gnomAD no frequency). This missense change has been observed in individual(s) with breast cancer and/or ovarian cancer (PMID: 25415331, 34178674). ClinVar contains an entry for this variant (Variation ID: 279705). Invitae Evidence Modeling of protein sequence and biophysical properties (such as structural, functional, and spatial information, amino acid conservation, physicochemical variation, residue mobility, and thermodynamic stability) indicates that this missense variant is expected to disrupt BRCA1 protein function with a positive predictive value of 80%. In summary, the available evidence is currently insufficient to determine the role of this variant in disease. Therefore, it has been classified as a Variant of Uncertain Significance.

University of Washington Department of Laboratory Medicine, University of Washington
Classification: Likely benign for Hereditary cancer-predisposing syndrome. Last evaluated: 2023-03-23. Review status: criteria provided, single submitter. Criteria: Dines et al. (Genet Med. 2020). Collection method: curation. Allele origin: germline.
Comment: Missense variant in a coldspot region where missense variants are very unlikely to be pathogenic (PMID:31911673).

BRCA1 coldspot (exon 11 using historical exon numbering). Reclassification based on statistical prior probability

Ambry Genetics
Classification: Uncertain significance for Hereditary cancer-predisposing syndrome. Last evaluated: 2022-08-22. Review status: criteria provided, single submitter. Criteria: Ambry Variant Classification Scheme 2023. Collection method: clinical testing. Allele origin: germline.
Comment: The p.D1337H variant (also known as c.4009G>C), located in coding exon 9 of the BRCA1 gene, results from a G to C substitution at nucleotide position 4009. The aspartic acid at codon 1337 is replaced by histidine, an amino acid with similar properties. This amino acid position is well conserved in available vertebrate species. In addition, the in silico prediction for this alteration is inconclusive. Since supporting evidence is limited at this time, the clinical significance of this alteration remains unclear.

GeneDx
Classification: Uncertain significance. Last evaluated: 2016-09-13. Review status: criteria provided, single submitter. Criteria: GeneDx Variant Classification (06012015). Collection method: clinical testing. Allele origin: germline. Affected: yes.
Comment: This variant is denoted BRCA1 c.4009G>C at the cDNA level, p.Asp1337His (D1337H) at the protein level, and results in the change of an Aspartic Acid to a Histidine (GAC>CAC). Using alternate nomenclature, this variant would be defined as BRCA1 4128G>C. BRCA1 Asp1337His has been observed in at least one individual with a history of breast cancer (Bolognesi 2014). This variant was not observed in approximately 6,500 individuals of European and African American ancestry in the NHLBI Exome Sequencing Project, suggesting it is not a common benign variant in these populations. Since Aspartic Acid and Histidine differ in polarity, charge, size or other properties, this is considered a non-conservative amino acid substitution. BRCA1 Asp1337His occurs at a position that is not conserved and is located within the SCD domain and a region known to interact with multiple proteins (Narod 2004, Clark 2012, Chen 1998). In silico analyses are inconsistent regarding the effect this variant may have on protein structure and function. Based on currently available information, it is unclear whether BRCA1 Asp1337His is pathogenic or benign. We consider it to be a variant of uncertain significance.

Literature cited by the submitters: PubMed 25415331 (cited by Labcorp Genetics (formerly Invitae), Labcorp and Ambry Genetics); PubMed 34178674 (cited by Labcorp Genetics (formerly Invitae), Labcorp and Ambry Genetics).

NM_007294.4(BRCA1):c.4009G>C (p.Asp1337His)

Genes: BRCA1 (BRCA1 DNA repair associated; minus strand), LOC126862571 (BRD4-independent group 4 enhancer GRCh37_chr17:41243136-41244335; plus strand). Cytogenetic location: 17q21.31.
Variant type: single nucleotide variant.
Coding change: c.4009G>C on transcript NM_007294.4 (MANE Select); coding-DNA position 4009, G replaced by C.
Protein change: p.Asp1337His; replaces aspartic acid 1337 with histidine.
Molecular consequence: missense variant. On other transcripts: intron variant (135).
Genome position (GRCh38, 1-based): chr17:43,091,522, C>G on the plus strand (G>C on the coding strand, the complement: BRCA1 is on the minus strand). VCF-style: chr17-43091522-C-G. GRCh37 (hg19) VCF-style: chr17-41243539-C-G.
Other names: c.3868G>C, p.Asp1290His (NM_001407738.1, NM_001407739.1, NM_001407750.1 and 29 more transcripts); c.3865G>C, p.Asp1289His (NM_001407740.1, NM_001407741.1, NM_001407742.1 and 20 more transcripts); c.3796G>C, p.Asp1266His (NM_001407853.1, NM_001407894.1, NM_001407895.1 and 9 more transcripts); c.4009G>C, p.Asp1337His (NM_001407854.1, NM_001407858.1, NM_001407859.1 and 30 more transcripts); c.4006G>C, p.Asp1336His (NM_001407860.1, NM_001407861.1, NM_001407587.1 and 22 more transcripts); c.3808G>C, p.Asp1270His (NM_001407862.1); c.3886G>C, p.Asp1296His (NM_001407863.1, NM_001407919.1, NM_001407937.1 and 19 more transcripts); c.3805G>C, p.Asp1269His (NM_001407874.1, NM_001407875.1); and 41 more; short protein forms D1337H, D1290H, D1169H, D1209H, D1225H, D1289H, D1295H, D1310H.
Identifiers: ClinVar variation 279705 (VCV000279705.20), dbSNP rs886041144, ClinGen allele CA10593943.
Genomic context (GRCh38, chr17:43,091,522, plus strand): 5'-CTTGATTATTTTCTTCCAAGCCCGTTCCTCTTTCTTCATCATCTGAAACCAATTCCTTGT[C>G]ACTCAGACCAACTCCCTGGCTTTCAGACTGATGCCTCATTTGTTTGGAAGAACCAATCAA-3'
Protein context (NP_009225.1, residues 1327-1347): QSESQGVGLS[Asp1337His]KELVSDDEER